The following is an entry in ClinVar:

ClinVar aggregate classification (germline): Uncertain significance. Review status: criteria provided, multiple submitters, no conflicts (2 of 4 stars). 3 submissions from 3 submitters: Uncertain significance (3). Last evaluated 2023-04-11.

Conditions:
Microcephaly 5, primary, autosomal recessive (MCPH5). Also called: ASPM Primary Microcephaly. Identifiers: Orphanet 2512, MedGen C1837501, MONDO:0012106, OMIM 608716.

Allele frequency attached by ClinVar (database versions not stated): gnomAD 0.00001; gnomAD exomes 0.00001; TOPMed 0.00001.
gnomAD v4.1: 23 of 1,613,942 alleles (0.0014%); highest among the groups gnomAD compares: Non-Finnish European, 0.0019%; no homozygotes.

Submissions (3):

Genome-Nilou Lab
Classification: Uncertain significance for Microcephaly 5, primary, autosomal recessive. Last evaluated: 2023-04-11. Review status: criteria provided, single submitter. Criteria: ACMG Guidelines, 2015. Collection method: clinical testing. Allele origin: germline. Affected: no.

Labcorp Genetics (formerly Invitae), Labcorp
Classification: Uncertain significance. Last evaluated: 2022-07-01. Review status: criteria provided, single submitter. Criteria: Invitae Variant Classification Sherloc (09022015). Collection method: clinical testing. Allele origin: germline.
Comment: This variant is present in population databases (rs775158833, gnomAD 0.002%). In summary, the available evidence is currently insufficient to determine the role of this variant in disease. Therefore, it has been classified as a Variant of Uncertain Significance. Algorithms developed to predict the effect of missense changes on protein structure and function are either unavailable or do not agree on the potential impact of this missense change (SIFT: "Deleterious"; PolyPhen-2: "Probably Damaging"; Align-GVGD: "Class C0"). ClinVar contains an entry for this variant (Variation ID: 876943). This variant has not been reported in the literature in individuals affected with ASPM-related conditions. This sequence change replaces asparagine, which is neutral and polar, with histidine, which is basic and polar, at codon 688 of the ASPM protein (p.Asn688His).

Illumina Laboratory Services, Illumina
Classification: Uncertain significance for Microcephaly 5, primary, autosomal recessive. Last evaluated: 2018-01-13. Review status: criteria provided, single submitter. Criteria: ICSL Variant Classification Criteria 13 December 2019. Collection method: clinical testing. Allele origin: germline.

NM_018136.5(ASPM):c.2062A>C (p.Asn688His)

Gene: ASPM (assembly factor for spindle microtubules; minus strand). Cytogenetic location: 1q31.3.
Variant type: single nucleotide variant.
Coding change: c.2062A>C on transcript NM_018136.5 (MANE Select); coding-DNA position 2062, A replaced by C.
Protein change: p.Asn688His; replaces asparagine 688 with histidine.
Molecular consequence: missense variant.
Genome position (GRCh38, 1-based): chr1:197,135,207, T>G on the plus strand (A>C on the coding strand, the complement: ASPM is on the minus strand). VCF-style: chr1-197135207-T-G. GRCh37 (hg19) VCF-style: chr1-197104337-T-G.
Other names: c.2062A>C, p.Asn688His (NM_001206846.2); short protein forms N688H.
Identifiers: ClinVar variation 876943 (VCV000876943.9), dbSNP rs775158833, ClinGen allele CA35857636.